The following is an entry in ClinVar:

NM_000548.5(TSC2):c.4142C>A (p.Pro1381His)

Gene: TSC2 (TSC complex subunit 2; plus strand). Cytogenetic location: 16p13.3.
Variant type: single nucleotide variant.
Coding change: c.4142C>A on transcript NM_000548.5 (MANE Select); coding-DNA position 4142, C replaced by A.
Protein change: p.Pro1381His; replaces proline 1381 with histidine.
Molecular consequence: missense variant.
Genome position (GRCh38, 1-based): chr16:2,084,364, C>A. VCF-style: chr16-2084364-C-A. GRCh37 (hg19) VCF-style: chr16-2134365-C-A.
Other names: c.3941C>A, p.Pro1314His (NM_001077183.3); c.4073C>A, p.Pro1358His (NM_001114382.3); c.3833C>A, p.Pro1278His (NM_001318827.2); c.3797C>A, p.Pro1266His (NM_001318829.2); c.3410C>A, p.Pro1137His (NM_001318831.2); c.3974C>A, p.Pro1325His (NM_001318832.2); c.3944C>A, p.Pro1315His (NM_001363528.2); c.4010C>A, p.Pro1337His (NM_001370404.1); and 1 more; short protein forms P1381H, P1278H, P1137H, P1314H, P1325H, P1358H, P1266H, P1338H.
Identifiers: ClinVar variation 577826 (VCV000577826.14), dbSNP rs397515264, ClinGen allele CA394299641.

ClinVar aggregate classification (germline): Conflicting classifications of pathogenicity. Review status: criteria provided, conflicting classifications (1 of 4 stars). 2 submissions from 2 submitters: Uncertain significance (1); Benign (1). Last evaluated 2025-09-18.

Conditions:
Hereditary cancer-predisposing syndrome. Also called: Hereditary neoplastic syndrome; Tumor predisposition; Hereditary Cancer Syndrome; Neoplastic Syndromes, Hereditary. Identifiers: Orphanet 140162, MedGen C0027672, MeSH D009386, MONDO:0015356.
Tuberous sclerosis 2 (TSC2). Identifiers: Orphanet 805, MedGen C1860707, MONDO:0013199, OMIM 613254.

Allele frequency attached by ClinVar (database versions not stated): TOPMed 0.00001; gnomAD 0.00003.
gnomAD v4.1: 3 of 1,612,542 alleles (0.00019%); highest among the groups gnomAD compares: Non-Finnish European, 0.00025%; no homozygotes.

Submissions (2):

Ambry Genetics
Classification: Uncertain significance for Hereditary cancer-predisposing syndrome. Last evaluated: 2025-09-18. Review status: criteria provided, single submitter. Criteria: Ambry Variant Classification Scheme 2023. Collection method: clinical testing. Allele origin: germline.
Comment: The p.P1381H variant (also known as c.4142C>A), located in coding exon 33 of the TSC2 gene, results from a C to A substitution at nucleotide position 4142. The proline at codon 1381 is replaced by histidine, an amino acid with similar properties. This amino acid position is conserved. In addition, the in silico prediction for this alteration is inconclusive. Since supporting evidence is limited at this time, the clinical significance of this alteration remains unclear.

Labcorp Genetics (formerly Invitae), Labcorp
Classification: Benign for Tuberous sclerosis 2. Last evaluated: 2023-12-30. Review status: criteria provided, single submitter. Criteria: Invitae Variant Classification Sherloc (09022015). Collection method: clinical testing. Allele origin: germline.